The following is an entry in ClinVar:

ClinVar aggregate classification (germline): Uncertain significance (1 of 4 stars; one submission).

Submission:

Women's Health and Genetics/Laboratory Corporation of America, LabCorp
Classification: Uncertain significance. Last evaluated: 2025-09-03. Review status: criteria provided, single submitter. Criteria: LabCorp Variant Classification Summary - May 2015. Collection method: clinical testing. Allele origin: germline.
Comment: Variant summary: The variant involves the duplication of exons 1-22 in the ADAMTS2 gene. This duplication includes the entire coding sequence of the gene. As exact breakpoints are unknown, it may extend beyond the annotated region of the gene, to include other flanking genes. A presumed nomenclature of c.(?_-134)_(*3015_?)dup has been designated for the purposes of this classification. The variant was absent in 21464 control chromosomes. The available data on variant occurrences in the general population are insufficient to allow any conclusion about variant significance. To our knowledge, no occurrence of c.(?_-134)_(*3015_?)dup in individuals affected with ADAMTS2-related conditions and no experimental evidence demonstrating its impact on protein function have been reported. ClinVar contains an entry for this variant (Variation ID: 832012). Based on the evidence outlined above, the variant was classified as uncertain significance.

NC_000005.9:g.(?_178537853)_(178772463_?)dup

Gene: ADAMTS2 (ADAM metallopeptidase with thrombospondin type 1 motif 2; minus strand). Cytogenetic location: 5q35.3.
Variant type: Duplication.
Identifiers: ClinVar variation 4535879 (VCV004535879.1).